The following continues an entry in ClinVar:

NM_001127701.1(SERPINA1):c.1096G>A (p.Glu366Lys)

Gene: SERPINA1. ClinVar aggregate classification (germline): Pathogenic/Likely pathogenic; risk factor. Pathogenic (40); Likely pathogenic (1).

Literature cited by the submitters, continued: PubMed 34408828 (cited by Women's Health and Genetics/Laboratory Corporation of America, LabCorp); PubMed 34408829 (cited by Women's Health and Genetics/Laboratory Corporation of America, LabCorp); PubMed 35263815 (cited by Women's Health and Genetics/Laboratory Corporation of America, LabCorp); PubMed 33087346 (cited by Variantyx, Inc.); PubMed 24374162 (cited by Variantyx, Inc.); PubMed 1964852 (cited by Variantyx, Inc.); PubMed 15454649 (cited by Variantyx, Inc. and Laboratory for Molecular Medicine, Mass General Brigham Personalized Medicine); PubMed 22971141 (cited by Variantyx, Inc. and Laboratory for Molecular Medicine, Mass General Brigham Personalized Medicine); PubMed 20595457 (cited by Variantyx, Inc.); PubMed 29070580 (cited by Variantyx, Inc.); PubMed 24428606 (cited by Variantyx, Inc. and Laboratory for Molecular Medicine, Mass General Brigham Personalized Medicine); PubMed 20981092 (cited by AiLife Diagnostics and Division of Human Genetics, Children's Hospital of Philadelphia); PubMed 25637381 (cited by AiLife Diagnostics); PubMed 19738092 (cited by 4 submitters); PubMed 23858502 (cited by 3 submitters); PubMed 21228398 (cited by AiLife Diagnostics and Division of Human Genetics, Children's Hospital of Philadelphia); PubMed 30739910 (cited by AiLife Diagnostics); PubMed 32087139 (cited by AiLife Diagnostics); PubMed 31028937 (cited by AiLife Diagnostics); PubMed 24055113 (cited by 3 submitters); PubMed 30254761 (cited by AiLife Diagnostics); PubMed 29882371 (cited by AiLife Diagnostics); PubMed 24082139 (cited by AiLife Diagnostics and Division of Human Genetics, Children's Hospital of Philadelphia); PubMed 26771213 (cited by AiLife Diagnostics); PubMed 31980526 (cited by AiLife Diagnostics); PubMed 25738741 (cited by AiLife Diagnostics); PubMed 31564432 (cited by AiLife Diagnostics); PubMed 33144682 (cited by AiLife Diagnostics); PubMed 18340647 (cited by 3 submitters); PubMed 22975760 (cited by AiLife Diagnostics and Division of Human Genetics, Children's Hospital of Philadelphia); PubMed 27535533 (cited by AiLife Diagnostics); PubMed 30068317 (cited by AiLife Diagnostics); PubMed 29083408 (cited by AiLife Diagnostics); PubMed 31216405 (cited by AiLife Diagnostics); PubMed 28146470 (cited by AiLife Diagnostics); PubMed 27153395 (cited by AiLife Diagnostics); PubMed 24328305 (cited by 3 submitters); PubMed 19444872 (cited by 3 submitters); PubMed 27959697 (cited by AiLife Diagnostics); PubMed 23837941 (cited by AiLife Diagnostics and Division of Human Genetics, Children's Hospital of Philadelphia); PubMed 29431110 (cited by AiLife Diagnostics); PubMed 26647313 (cited by AiLife Diagnostics); PubMed 26310624 (cited by AiLife Diagnostics); PubMed 33726816 (cited by AiLife Diagnostics); PubMed 30068662 (cited by AiLife Diagnostics); PubMed 22912729 (cited by 4 submitters); PubMed 31447099 (cited by AiLife Diagnostics); PubMed 25966443 (cited by Dasa); PubMed 29153744 (cited by Dasa); PubMed 23484243 (cited by Dasa); PubMed 9195389 (cited by Laboratory for Molecular Medicine, Mass General Brigham Personalized Medicine); PubMed 21960536 (cited by Laboratory for Molecular Medicine, Mass General Brigham Personalized Medicine and Illumina Laboratory Services, Illumina); PubMed 26831755 (cited by Laboratory for Molecular Medicine, Mass General Brigham Personalized Medicine); PubMed 14522813 (cited by Laboratory for Molecular Medicine, Mass General Brigham Personalized Medicine and Illumina Laboratory Services, Illumina); PubMed 26672964 (cited by Laboratory for Molecular Medicine, Mass General Brigham Personalized Medicine); PubMed 26304913 (cited by Laboratory for Molecular Medicine, Mass General Brigham Personalized Medicine); PubMed 26243289 (cited by Laboratory for Molecular Medicine, Mass General Brigham Personalized Medicine); PubMed 24518491 (cited by Laboratory for Molecular Medicine, Mass General Brigham Personalized Medicine); PubMed 21637600 (cited by Laboratory for Molecular Medicine, Mass General Brigham Personalized Medicine); PubMed 3264419 (cited by Myriad Genetics, Inc. and Illumina Laboratory Services, Illumina); PubMed 18515255 (cited by Myriad Genetics, Inc.); PubMed 3484754 (cited by 3 submitters); PubMed 17964515 (cited by Eurofins Ntd Llc (ga)); PubMed 7045697 (cited by Illumina Laboratory Services, Illumina); PubMed 2700304 (cited by Illumina Laboratory Services, Illumina); PubMed 2339709 (cited by Illumina Laboratory Services, Illumina); PubMed 1608473 (cited by Illumina Laboratory Services, Illumina); PubMed 21067581 (cited by Illumina Laboratory Services, Illumina); PubMed 2696185 (cited by OMIM); PubMed 2989709 (cited by OMIM and Department of Laboratory Medicine and Genetics, Trillium Health Partners Credit Valley Hospital); PubMed 3537008 (cited by OMIM); PubMed 7227484 (cited by OMIM); PubMed 18294358 (cited by OMIM); PubMed 3875547 (cited by OMIM); PubMed 7977369 (cited by OMIM); PubMed 2575668 (cited by OMIM); NCBI Bookshelf NBK1519 (cited by GeneReviews).